The following is an entry in ClinVar:

NM_014920.5(CILK1):c.1024C>T (p.Gln342Ter)

Gene: CILK1 (ciliogenesis associated kinase 1; minus strand). Cytogenetic location: 6p12.1.
Variant type: single nucleotide variant.
Coding change: c.1024C>T on transcript NM_014920.5 (MANE Select); coding-DNA position 1024, C replaced by T.
Protein change: p.Gln342Ter; replaces glutamine 342 with a stop codon.
Molecular consequence: nonsense. On other transcripts: non-coding transcript variant (1).
Genome position (GRCh38, 1-based): chr6:53,013,790, G>A on the plus strand (C>T on the coding strand, the complement: CILK1 is on the minus strand). VCF-style: chr6-53013790-G-A. GRCh37 (hg19) VCF-style: chr6-52878588-G-A.
Other names: c.1024C>T, p.Gln342Ter (NM_001375397.1, NM_001375398.1, NM_001375399.1 and 4 more transcripts); short protein forms Q342*.
Identifiers: ClinVar variation 5002900 (VCV005002900.1).

ClinVar aggregate classification (germline): Likely pathogenic (1 of 4 stars; one submission).

Conditions:
Endocrine-cerebro-osteodysplasia syndrome. Identifiers: Orphanet 199332, MedGen C2675227, MONDO:0012980, OMIM 612651.

Submission:

OLLIN Analises Genomicas, OLLIN
Classification: Likely pathogenic for Endocrine-cerebro-osteodysplasia syndrome. Last evaluated: 2026-08-06. Review status: criteria provided, single submitter. Criteria: ACMG Guidelines 2015 PMID 25741868. Collection method: clinical testing. Allele origin: germline. Inheritance: Autosomal recessive inheritance.
Comment: This nonsense variant, located in exon 9 (of 14), is absent from gnomAD and ClinVar and has not been identified in the literature. This variant introduces a premature stop codon, which is predicted to result in either a truncated protein or degradation of the mRNA via nonsense-mediated decay (NMD). According to the currently available evidence, this variant has been classified as likely pathogenic (PVS1, PM2_P).